The following is an entry in ClinVar:

NM_016194.4(GNB5):c.292A>G (p.Arg98Gly)

Gene: GNB5 (G protein subunit beta 5; minus strand). Cytogenetic location: 15q21.2.
Variant type: single nucleotide variant.
Coding change: c.292A>G on transcript NM_016194.4 (MANE Select); coding-DNA position 292, A replaced by G.
Protein change: p.Arg98Gly; replaces arginine 98 with glycine.
Molecular consequence: missense variant.
Genome position (GRCh38, 1-based): chr15:52,154,023, T>C on the plus strand (A>G on the coding strand, the complement: GNB5 is on the minus strand). VCF-style: chr15-52154023-T-C. GRCh37 (hg19) VCF-style: chr15-52446220-T-C.
Other names: c.292A>G (NM_016194.3); c.10A>G, p.Arg4Gly (NM_001379343.1); c.166A>G, p.Arg56Gly (NM_006578.4); short protein forms R4G, R56G, R98G.
Identifiers: ClinVar variation 1709824 (VCV001709824.3), dbSNP rs2034156167, ClinGen allele CA392483416.
Genomic context (GRCh38, chr15:52,154,023, plus strand): 5'-TCTTATCTTTGCACCAGTCCATGCACAGGACTTTGTTCCCGTGGCCTTTGAGGGTCCTTC[T>C]GGTCTTCATGACAAACTGCCCCAGGGCCTCCACCCGCTCCGCCACCTGGTGCACTGGAAT-3'
Protein context (NP_057278.2, residues 88-108): EALGQFVMKT[Arg98Gly]RTLKGHGNKV

ClinVar aggregate classification (germline): Uncertain significance. Review status: criteria provided, multiple submitters, no conflicts (2 of 4 stars). 2 submissions from 2 submitters: Uncertain significance (2). Last evaluated 2024-09-10.

Conditions:
Inborn genetic diseases. Identifiers: MedGen C0950123, MeSH D030342.
Lodder-Merla syndrome, type 1, with impaired intellectual development and cardiac arrhythmia. Also called: Intellectual developmental disorder with cardiac arrhythmia; Gnb5-related intellectual disability-cardiac arrhythmia syndrome. Identifiers: Orphanet 542306, MedGen C5568877, MONDO:0014953, OMIM 617173.

Allele frequency attached by ClinVar (database versions not stated): gnomAD exomes below 0.00001; TOPMed below 0.00001; gnomAD 0.00001.
gnomAD v4.1: 2 of 1,613,996 alleles (0.00012%); highest among the groups gnomAD compares: Non-Finnish European, 0.00017%; no homozygotes.

Submissions (2):

Ambry Genetics
Classification: Uncertain significance for Inborn genetic diseases. Last evaluated: 2024-09-10. Review status: criteria provided, single submitter. Criteria: Ambry Variant Classification Scheme 2023. Collection method: clinical testing. Allele origin: germline.

MGZ Medical Genetics Center
Classification: Uncertain significance for Lodder-Merla syndrome, type 1, with impaired intellectual development and cardiac arrhythmia. Last evaluated: 2021-08-17. Review status: criteria provided, single submitter. Criteria: ACMG Guidelines, 2015. Collection method: clinical testing. Allele origin: germline. Affected: yes. Observed: 1 variant allele.
Comment: ACMG criteria applied: PM2_SUP